The following is an entry in ClinVar:

ClinVar aggregate classification (germline): Uncertain significance (1 of 4 stars; one submission).

gnomAD v4.1: 2 of 1,614,126 alleles (0.00012%); highest among the groups gnomAD compares: Middle Eastern, 0.017%; no homozygotes.

Submission:

Labcorp Genetics (formerly Invitae), Labcorp
Classification: Uncertain significance. Last evaluated: 2024-09-08. Review status: criteria provided, single submitter. Criteria: Invitae Variant Classification Sherloc (09022015). Collection method: clinical testing. Allele origin: germline.
Comment: This sequence change falls in intron 9 of the ALPK3 gene. It does not directly change the encoded amino acid sequence of the ALPK3 protein. It affects a nucleotide within the consensus splice site. This variant is not present in population databases (gnomAD no frequency). This variant has not been reported in the literature in individuals affected with ALPK3-related conditions. ClinVar contains an entry for this variant (Variation ID: 1480615). Variants that disrupt the consensus splice site are a relatively common cause of aberrant splicing (PMID: 17576681, 9536098). Algorithms developed to predict the effect of sequence changes on RNA splicing suggest that this variant is not likely to affect RNA splicing. In summary, the available evidence is currently insufficient to determine the role of this variant in disease. Therefore, it has been classified as a Variant of Uncertain Significance.

Literature cited by the submitters: PubMed 17576681; PubMed 9536098.

NM_020778.5(ALPK3):c.4129+6G>A

Gene: ALPK3 (alpha kinase 3; plus strand). Cytogenetic location: 15q25.3.
Variant type: single nucleotide variant.
Coding change: c.4129+6G>A on transcript NM_020778.5 (MANE Select); 6 bases into the intron after coding-DNA position 4129, G replaced by A.
Molecular consequence: intron variant.
Genome position (GRCh38, 1-based): chr15:84,860,078, G>A. VCF-style: chr15-84860078-G-A. GRCh37 (hg19) VCF-style: chr15-85403309-G-A.
Identifiers: ClinVar variation 1480615 (VCV001480615.6), dbSNP rs548491267, ClinGen allele CA273629298.